The following is an entry in ClinVar:

ClinVar aggregate classification (germline): Uncertain significance. Review status: criteria provided, multiple submitters, no conflicts (2 of 4 stars). 3 submissions from 3 submitters: Uncertain significance (3). Last evaluated 2025-11-17.

Conditions:
Hereditary cancer-predisposing syndrome. Also called: Neoplastic Syndromes, Hereditary; Tumor predisposition; Hereditary Cancer Syndrome; Hereditary neoplastic syndrome. Identifiers: Orphanet 140162, MedGen C0027672, MeSH D009386, MONDO:0015356.
Familial cancer of breast. Also called: BREAST CANCER, FAMILIAL; hereditary breast carcinoma; Hereditary breast cancer. Identifiers: Orphanet 227535, MedGen C0346153, MONDO:0016419, OMIM 114480. Disease mechanism: loss of function.

Allele frequency attached by ClinVar (database versions not stated): gnomAD exomes below 0.00001 and 0.00001; ExAC 0.00001.
gnomAD v4.1: 2 of 1,613,954 alleles (0.00012%); highest among the groups gnomAD compares: South Asian, 0.0011%; no homozygotes.

Submissions (3):

Ambry Genetics
Classification: Uncertain significance for Hereditary cancer-predisposing syndrome. Last evaluated: 2025-11-17. Review status: criteria provided, single submitter. Criteria: Ambry Variant Classification Scheme 2023. Collection method: clinical testing. Allele origin: germline.
Comment: The p.S395C variant (also known as c.1184C>G), located in coding exon 4 of the PALB2 gene, results from a C to G substitution at nucleotide position 1184. The serine at codon 395 is replaced by cysteine, an amino acid with dissimilar properties. This amino acid position is conserved. In addition, the in silico prediction for this alteration is inconclusive. Since supporting evidence is limited at this time, the clinical significance of this alteration remains unclear.

Labcorp Genetics (formerly Invitae), Labcorp
Classification: Uncertain significance for Familial cancer of breast. Last evaluated: 2024-01-06. Review status: criteria provided, single submitter. Criteria: Invitae Variant Classification Sherloc (09022015). Collection method: clinical testing. Allele origin: germline.
Comment: This sequence change replaces serine, which is neutral and polar, with cysteine, which is neutral and slightly polar, at codon 395 of the PALB2 protein (p.Ser395Cys). This variant is present in population databases (rs764796329, gnomAD 0.003%). This variant has not been reported in the literature in individuals affected with PALB2-related conditions. ClinVar contains an entry for this variant (Variation ID: 923897). Advanced modeling of protein sequence and biophysical properties (such as structural, functional, and spatial information, amino acid conservation, physicochemical variation, residue mobility, and thermodynamic stability) performed at Invitae indicates that this missense variant is expected to disrupt PALB2 protein function with a positive predictive value of 80%. In summary, the available evidence is currently insufficient to determine the role of this variant in disease. Therefore, it has been classified as a Variant of Uncertain Significance.

Color Diagnostics, LLC DBA Color Health
Classification: Uncertain significance for Hereditary cancer-predisposing syndrome. Last evaluated: 2019-02-06. Review status: criteria provided, single submitter. Criteria: ACMG Guidelines, 2015. Collection method: clinical testing. Allele origin: germline.

NM_024675.4(PALB2):c.1184C>G (p.Ser395Cys)

Gene: PALB2 (partner and localizer of BRCA2; minus strand). Cytogenetic location: 16p12.2.
Variant type: single nucleotide variant.
Coding change: c.1184C>G on transcript NM_024675.4 (MANE Select); coding-DNA position 1184, C replaced by G.
Protein change: p.Ser395Cys; replaces serine 395 with cysteine.
Molecular consequence: missense variant.
Genome position (GRCh38, 1-based): chr16:23,635,362, G>C on the plus strand (C>G on the coding strand, the complement: PALB2 is on the minus strand). VCF-style: chr16-23635362-G-C. GRCh37 (hg19) VCF-style: chr16-23646683-G-C.
Other names: short protein forms S395C.
Identifiers: ClinVar variation 923897 (VCV000923897.8), dbSNP rs764796329, ClinGen allele CA7963727.